The following is an entry in ClinVar:

ClinVar aggregate classification (germline): Benign/Likely benign. Review status: criteria provided, multiple submitters, no conflicts (2 of 4 stars). 4 submissions from 4 submitters: Benign (1); Likely benign (3). Last evaluated 2025-10-15.

Conditions:
Inborn genetic diseases. Identifiers: MedGen C0950123, MeSH D030342.
Brachyolmia-amelogenesis imperfecta syndrome. Also called: PLATYSPONDYLY WITH AMELOGENESIS IMPERFECTA; Tooth agenesis, selective, 6; Dental anomalies and short stature. Identifiers: Orphanet 2899, MedGen C1832594, MONDO:0011018, OMIM 601216. Disease mechanism: loss of function.
LTBP3-related disorder. Also called: LTBP3-related condition.

Allele frequency attached by ClinVar (database versions not stated): gnomAD exomes 0.00001 and 0.00002; ExAC 0.00002; TOPMed 0.00002; gnomAD 0.00003 and 0.00004.
gnomAD v4.1: 30 of 1,601,676 alleles (0.0019%); highest among the groups gnomAD compares: Non-Finnish European, 0.0025%; no homozygotes.

Submissions (4):

Labcorp Genetics (formerly Invitae), Labcorp
Classification: Likely benign for Brachyolmia-amelogenesis imperfecta syndrome. Last evaluated: 2025-10-15. Review status: criteria provided, single submitter. Criteria: Invitae Variant Classification Sherloc (09022015). Collection method: clinical testing. Allele origin: germline.

Laboratory of Genetics, Children's Clinical University Hospital Latvia
Classification: Benign. Last evaluated: 2025-02-16. Review status: criteria provided, single submitter. Criteria: ACMG Guidelines, 2015. Collection method: clinical testing. Allele origin: germline. Affected: yes.

PreventionGenetics, part of Exact Sciences
Classification: Likely benign for LTBP3-related condition. Last evaluated: 2024-10-29. Review status: criteria provided, single submitter. Criteria: ACMG Guidelines, 2015. Collection method: clinical testing. Allele origin: germline.
Comment: This variant is classified as likely benign based on ACMG/AMP sequence variant interpretation guidelines (Richards et al. 2015 PMID: 25741868, with internal and published modifications).

Ambry Genetics
Classification: Likely benign for Inborn genetic diseases. Last evaluated: 2020-01-13. Review status: criteria provided, single submitter. Criteria: Ambry Variant Classification Scheme 2023. Collection method: clinical testing. Allele origin: germline.

NM_001130144.3(LTBP3):c.2223C>G (p.Ala741=)

Genes: LTBP3 (latent transforming growth factor beta binding protein 3; minus strand), LOC130006030 (ATAC-STARR-seq lymphoblastoid silent region 3533; plus strand). Cytogenetic location: 11q13.1.
Variant type: single nucleotide variant.
Coding change: c.2223C>G on transcript NM_001130144.3 (MANE Select); coding-DNA position 2223, C replaced by G.
Protein change: p.Ala741=; no amino-acid change (alanine 741 retained).
Molecular consequence: synonymous variant.
Genome position (GRCh38, 1-based): chr11:65,546,805, G>C on the plus strand (C>G on the coding strand, the complement: LTBP3 is on the minus strand). VCF-style: chr11-65546805-G-C. GRCh37 (hg19) VCF-style: chr11-65314276-G-C.
Other names: c.1872C>G, p.Ala624= (NM_001164266.1); c.2223C>G, p.Ala741= (NM_021070.4).
Identifiers: ClinVar variation 1582468 (VCV001582468.12), dbSNP rs760181021, ClinGen allele CA6100707.
Genomic context (GRCh38, chr11:65,546,805, plus strand): 5'-CTGGGGGAGGCACCTGACGGCCCCACCCACTCGGCTCCGGGCCCCGCCCTCACCGCGACA[G>C]GCCCCGCCCCCCTGGCTGCGGTAGCCAGGCTGACAGGCGATGCACTTGAAGCTCCCGGGC-3'
Protein context (NP_001123616.1, residues 731-751): QPGYRSQGGG[Ala741=]CRDVNECAEG